The following is an entry in ClinVar:

ClinVar aggregate classification (germline): Uncertain significance (1 of 4 stars; one submission).

Conditions:
Inborn genetic diseases. Identifiers: MedGen C0950123, MeSH D030342.

gnomAD v4.1: 1 of 1,613,978 alleles (0.000062%); highest among the groups gnomAD compares: Non-Finnish European, 0.000085%; no homozygotes.

Submission:

Ambry Genetics
Classification: Uncertain significance for Inborn genetic diseases. Last evaluated: 2023-09-21. Review status: criteria provided, single submitter. Criteria: Ambry Variant Classification Scheme 2023. Collection method: clinical testing. Allele origin: germline.
Comment: The c.1499C>T (p.P500L) alteration is located in exon 9 (coding exon 8) of the ASCC3 gene. This alteration results from a C to T substitution at nucleotide position 1499, causing the proline (P) at amino acid position 500 to be replaced by a leucine (L). This variant was not reported in population-based cohorts in the Genome Aggregation Database (gnomAD). This amino acid position is highly conserved in available vertebrate species. The in silico prediction for this alteration is inconclusive. Based on insufficient or conflicting evidence, the clinical significance of this alteration remains unclear.

NM_006828.4(ASCC3):c.1499C>T (p.Pro500Leu)

Gene: ASCC3 (activating signal cointegrator 1 complex subunit 3; minus strand). Cytogenetic location: 6q16.3.
Variant type: single nucleotide variant.
Coding change: c.1499C>T on transcript NM_006828.4 (MANE Select); coding-DNA position 1499, C replaced by T.
Protein change: p.Pro500Leu; replaces proline 500 with leucine.
Molecular consequence: missense variant.
Genome position (GRCh38, 1-based): chr6:100,767,242, G>A on the plus strand (C>T on the coding strand, the complement: ASCC3 is on the minus strand). VCF-style: chr6-100767242-G-A. GRCh37 (hg19) VCF-style: chr6-101215118-G-A.
Other names: c.1499C>T, p.Pro500Leu (NM_001284271.2); short protein forms P500L.
Identifiers: ClinVar variation 2596284 (VCV002596284.2), dbSNP rs2481987766, ClinGen allele CA365301277.